The following is an entry in ClinVar:

ClinVar aggregate classification (germline): Conflicting classifications of pathogenicity. Review status: criteria provided, conflicting classifications (1 of 4 stars). 8 submissions from 8 submitters: Uncertain significance (5); Likely benign (2). 1 of the submissions does not count toward it. Last evaluated 2025-01-27.

Conditions:
Inborn genetic diseases. Identifiers: MedGen C0950123, MeSH D030342.
Glycogen storage disease type III (GSD3). Also called: FORBES DISEASE; Cori disease. Identifiers: Orphanet 366, MedGen C0017922, MONDO:0009291, OMIM 232400.

Allele frequency attached by ClinVar (database versions not stated): gnomAD 0.00004 and 0.00006; gnomAD exomes 0.00004 and 0.00008; ESP Exome Variant Server 0.00008; ExAC 0.00006; TOPMed 0.00009; 1000 Genomes Project 0.00020; 1000 Genomes Project 30x 0.00031.
gnomAD v4.1: 122 of 1,613,988 alleles (0.0076%); highest among the groups gnomAD compares: Non-Finnish European, 0.0094%; no homozygotes.

Submissions (8):

Mayo Clinic Laboratories, Mayo Clinic
Classification: Uncertain significance. Last evaluated: 2025-01-27. Review status: criteria provided, single submitter. Criteria: ACMG Guidelines, 2015. Collection method: clinical testing. Allele origin: germline. Observed: 1 variant allele.
Comment: BP4, PM2_supporting

Blueprint Genetics
Classification: Likely benign. Last evaluated: 2023-11-06. Review status: criteria provided, single submitter. Criteria: ACMG Guidelines, 2015. Collection method: clinical testing. Allele origin: germline.

Labcorp Genetics (formerly Invitae), Labcorp
Classification: Uncertain significance for Glycogen storage disease type III. Last evaluated: 2022-09-01. Review status: criteria provided, single submitter. Criteria: Invitae Variant Classification Sherloc (09022015). Collection method: clinical testing. Allele origin: germline.
Comment: This sequence change replaces arginine, which is basic and polar, with histidine, which is basic and polar, at codon 256 of the AGL protein (p.Arg256His). This variant is present in population databases (rs200180652, gnomAD 0.009%). This variant has not been reported in the literature in individuals affected with AGL-related conditions. ClinVar contains an entry for this variant (Variation ID: 439395). Algorithms developed to predict the effect of missense changes on protein structure and function output the following: SIFT: "Tolerated"; PolyPhen-2: "Benign"; Align-GVGD: "Class C0". The histidine amino acid residue is found in multiple mammalian species, which suggests that this missense change does not adversely affect protein function. In summary, the available evidence is currently insufficient to determine the role of this variant in disease. Therefore, it has been classified as a Variant of Uncertain Significance.

Ambry Genetics
Classification: Likely benign for Inborn genetic diseases. Last evaluated: 2022-01-03. Review status: criteria provided, single submitter. Criteria: Ambry Variant Classification Scheme 2023. Collection method: clinical testing. Allele origin: germline.

Genome-Nilou Lab
Classification: Uncertain significance for Glycogen storage disease type III. Last evaluated: 2021-07-15. Review status: criteria provided, single submitter. Criteria: ACMG Guidelines, 2015. Collection method: clinical testing. Allele origin: germline. Affected: no.

Fulgent Genetics
Classification: Uncertain significance for Glycogen storage disease type III. Last evaluated: 2021-07-14. Review status: criteria provided, single submitter. Criteria: ACMG Guidelines, 2015. Collection method: clinical testing. Allele origin: unknown.

ARUP Laboratories, Molecular Genetics and Genomics, ARUP Laboratories
Classification: Uncertain significance. Last evaluated: 2016-12-21. Review status: criteria provided, single submitter. Criteria: ARUP Molecular Germline Variant Investigation Process. Collection method: clinical testing. Allele origin: germline.

Natera, Inc.
Classification: Uncertain significance for Glycogen storage disease type III. Last evaluated: 2020-08-17. Review status: no assertion criteria provided. Collection method: clinical testing. Allele origin: germline. Not counted in ClinVar's aggregate classification.

NM_000642.3(AGL):c.767G>A (p.Arg256His)

Gene: AGL (amylo-alpha-1,6-glucosidase and 4-alpha-glucanotransferase; plus strand). Cytogenetic location: 1p21.2.
Variant type: single nucleotide variant.
Coding change: c.767G>A on transcript NM_000642.3 (MANE Select); coding-DNA position 767, G replaced by A.
Protein change: p.Arg256His; replaces arginine 256 with histidine.
Molecular consequence: missense variant.
Genome position (GRCh38, 1-based): chr1:99,870,502, G>A. VCF-style: chr1-99870502-G-A. GRCh37 (hg19) VCF-style: chr1-100336058-G-A.
Other names: p.Arg256His; c.767G>A, p.Arg256His (NM_000028.3, NM_000643.3, NM_000644.3 and 3 more transcripts); c.719G>A, p.Arg240His (NM_000646.3); c.563G>A, p.Arg188His (NM_001425328.1, NM_001425329.1); c.389G>A, p.Arg130His (NM_001425332.1); short protein forms R256H, R240H, R130H, R188H.
Identifiers: ClinVar variation 439395 (VCV000439395.23), dbSNP rs200180652, ClinGen allele CA966265.